The following is an entry in ClinVar:

NM_015512.5(DNAH1):c.8877A>G (p.Lys2959=)

Gene: DNAH1 (dynein axonemal heavy chain 1; plus strand). Cytogenetic location: 3p21.1.
Variant type: single nucleotide variant.
Coding change: c.8877A>G on transcript NM_015512.5 (MANE Select); coding-DNA position 8877, A replaced by G.
Protein change: p.Lys2959=; no amino-acid change (lysine 2959 retained).
Molecular consequence: synonymous variant.
Genome position (GRCh38, 1-based): chr3:52,386,727, A>G. VCF-style: chr3-52386727-A-G. GRCh37 (hg19) VCF-style: chr3-52420743-A-G.
Identifiers: ClinVar variation 1481940 (VCV001481940.6), dbSNP rs1553641002, ClinGen allele CA433770130.
Genomic context (GRCh38, chr3:52,386,727, plus strand): 5'-TGCCATGCAGCGGCCACCCCCGGGTGTGAAACTGGTCATAGAAGCTGTGTGCATTATGAA[A>G]GGCATCAAGCCCAAGAAGGTGCCTGGAGAAAAGCCAGGCACCAAGGTGGATGACTACTGG-3'
Protein context (NP_056327.4, residues 2949-2969): KLVIEAVCIM[Lys2959=]GIKPKKVPGE

ClinVar aggregate classification (germline): Uncertain significance (1 of 4 stars; one submission).

Conditions:
Ciliary dyskinesia, primary, 37 (CILD37). Also called: CILIARY DYSKINESIA, PRIMARY, 37, WITH OR WITHOUT SITUS INVERSUS. Identifiers: MedGen C4539798, MONDO:0033204, OMIM 617577.
Spermatogenic failure 18. Identifiers: MedGen C4539783, MONDO:0054615, OMIM 617576.

Allele frequency attached by ClinVar (database versions not stated): gnomAD exomes 0.00001.
gnomAD v4.1: 12 of 1,591,326 alleles (0.00075%); highest among the groups gnomAD compares: Middle Eastern, 0.083%; no homozygotes.

Submission:

Labcorp Genetics (formerly Invitae), Labcorp
Classification: Uncertain significance for Ciliary dyskinesia, primary, 37; Spermatogenic failure 18. Last evaluated: 2022-10-17. Review status: criteria provided, single submitter. Criteria: Invitae Variant Classification Sherloc (09022015). Collection method: clinical testing. Allele origin: germline.
Comment: This variant is not present in population databases (gnomAD no frequency). In summary, the available evidence is currently insufficient to determine the role of this variant in disease. Therefore, it has been classified as a Variant of Uncertain Significance. Algorithms developed to predict the effect of sequence changes on RNA splicing suggest that this variant may disrupt the consensus splice site. ClinVar contains an entry for this variant (Variation ID: 1481940). This variant has not been reported in the literature in individuals affected with DNAH1-related conditions. This sequence change affects codon 2959 of the DNAH1 mRNA. It is a 'silent' change, meaning that it does not change the encoded amino acid sequence of the DNAH1 protein.